The following is an entry in ClinVar:

ClinVar aggregate classification (germline): Pathogenic. Review status: criteria provided, single submitter (1 of 4 stars). 3 submissions from 3 submitters: Pathogenic (1). 2 of the submissions do not count toward it. Last evaluated 2025-04-17.

Conditions:
Intellectual disability, X-linked 102 (MRXSSB). Also called: Intellectual developmental disorder, X-linked syndromic, Snijders Blok type. Identifiers: Orphanet 457260, MedGen C5393299, MONDO:0010497, OMIM 300958.

Submissions (3):

3billion
Classification: Pathogenic for Intellectual disability, X-linked 102. Last evaluated: 2025-04-17. Review status: criteria provided, single submitter. Criteria: ACMG Guidelines, 2015. Collection method: clinical testing. Allele origin: germline. Affected: yes.
Comment: The variant is not observed in the gnomAD v4.1.0 dataset. Predicted Consequence/Location: Missense variant. In silico tool predictions suggest damaging effect of the variant on gene or gene product [REVEL: 0.61 (>=0.6, sensitivity 0.68 and specificity 0.92); 3Cnet: 0.99 (> 0.75, sensitivity 0.96 and precision 0.92)].The same nucleotide change resulting in the same amino acid change has been previously reported to be associated with DDX3X-related disorder (ClinVar ID: VCV000872857 / PMID: 30734472). The variant has been previously reported as de novo in a similarly affected individual (PMID: 30734472). A different missense change at the same codon (p.Arg376Cys) has been reported as pathogenic/likely pathogenic with strong evidence (ClinVar ID: VCV000207813 / PMID: 26235985 / 3billion dataset). Therefore, this variant is classified as Pathogenic according to the recommendation of ACMG/AMP guideline.

OMIM
Classification: Pathogenic for INTELLECTUAL DEVELOPMENTAL DISORDER, X-LINKED, SYNDROMIC, SNIJDERS BLOK TYPE. Last evaluated: 2015-08-06. Review status: no assertion criteria provided. Collection method: literature only. Allele origin: germline. Not counted in ClinVar's aggregate classification.

GeneReviews
No classification provided. Condition: Intellectual disability, X-linked 102. Review status: no classification provided. Collection method: literature only. Allele origin: germline. Not counted in ClinVar's aggregate classification.
Comment: Observed in affected males w/de novo occurrence [Wang et al 2018, Nicola et al 2019]

Literature cited by the submitters: PubMed 26235985 (cited by 3billion and OMIM); PubMed 30734472 (cited by 3 submitters); NCBI Bookshelf NBK561282 (cited by GeneReviews).

NM_001356.5(DDX3X):c.1127G>A (p.Arg376His)

Gene: DDX3X (DEAD-box helicase 3 X-linked; plus strand). Cytogenetic location: Xp11.4.
Variant type: single nucleotide variant.
Coding change: c.1127G>A on transcript NM_001356.5 (MANE Select); coding-DNA position 1127, G replaced by A.
Protein change: p.Arg376His; replaces arginine 376 with histidine.
Molecular consequence: missense variant. On other transcripts: non-coding transcript variant (1).
Genome position (GRCh38, 1-based): chrX:41,345,281, G>A. VCF-style: chrX-41345281-G-A. GRCh37 (hg19) VCF-style: chrX-41204534-G-A.
Other names: c.1127G>A, p.Arg376His (NM_001193416.3); c.1079G>A, p.Arg360His (NM_001193417.3); c.569G>A, p.Arg190His (NM_001363819.1); short protein forms R376H, R360H, R190H.
Identifiers: ClinVar variation 872857 (VCV000872857.4), dbSNP rs2063908570, ClinGen allele CA412771455.